The following is an entry in ClinVar:

ClinVar aggregate classification (germline): Uncertain significance. Review status: criteria provided, multiple submitters, no conflicts (2 of 4 stars). 3 submissions from 3 submitters: Uncertain significance (3). Last evaluated 2026-08-06.

Conditions:
Wolfram syndrome 1 (WFS1). Identifiers: Orphanet 3463, MedGen C4551693, MONDO:0009101, OMIM 222300.
WFS1-related disorder. Identifiers: MedGen CN379391, MONDO:0700293.

gnomAD v4.1: 19 of 1,613,054 alleles (0.0012%); highest among the groups gnomAD compares: Admixed American, 0.0033%; no homozygotes.

Submissions (3):

PreventionGenetics, part of Exact Sciences
Classification: Uncertain significance for WFS1-related condition. Last evaluated: 2026-08-06. Review status: criteria provided, single submitter. Criteria: ACMG Guidelines, 2015. Collection method: clinical testing. Allele origin: germline.
Comment: The WFS1 c.2638G>A variant is predicted to result in the amino acid substitution p.Asp880Asn. To our knowledge, this variant has not been reported in the literature. This variant is reported in 0.010% of alleles in individuals of Ashkenazi Jewish descent in gnomAD. At this time, the clinical significance of this variant is uncertain due to the absence of conclusive functional and genetic evidence.

Labcorp Genetics (formerly Invitae), Labcorp
Classification: Uncertain significance. Last evaluated: 2022-07-06. Review status: criteria provided, single submitter. Criteria: Invitae Variant Classification Sherloc (09022015). Collection method: clinical testing. Allele origin: germline.
Comment: This sequence change replaces aspartic acid, which is acidic and polar, with asparagine, which is neutral and polar, at codon 880 of the WFS1 protein (p.Asp880Asn). In summary, the available evidence is currently insufficient to determine the role of this variant in disease. Therefore, it has been classified as a Variant of Uncertain Significance. Advanced modeling of protein sequence and biophysical properties (such as structural, functional, and spatial information, amino acid conservation, physicochemical variation, residue mobility, and thermodynamic stability) performed at Invitae indicates that this missense variant is not expected to disrupt WFS1 protein function. This variant has not been reported in the literature in individuals affected with WFS1-related conditions. This variant is present in population databases (rs776324301, gnomAD 0.01%).

Clinical Genomics, Uppaluri K&H Personalized Medicine Clinic
Classification: Uncertain significance for Wolfram syndrome 1. Review status: criteria provided, single submitter. Criteria: K & H Uppaluri Personalized Medicine Clinic Variant Classification & Assertion Criteria_Updated V.1. Collection method: research. Allele origin: unknown. Inheritance: Autosomal recessive inheritance.
Comment: Potent mutations in WFS1 gene are associated with Wolfram's syndrome, an autosomal recessive condition, which cause diabetes mellitus, diabetes insipidus, deafness and optic atrophy.However no sufficient evidence is found to ascertain the role of this particular variant rs776324301 in Wolfram's syndrome yet.

Literature cited by the submitters: PubMed 20738327 (cited by Clinical Genomics, Uppaluri K&H Personalized Medicine Clinic); PubMed 33879153 (cited by Clinical Genomics, Uppaluri K&H Personalized Medicine Clinic); PubMed 12955714 (cited by Clinical Genomics, Uppaluri K&H Personalized Medicine Clinic); PubMed 18060660 (cited by Clinical Genomics, Uppaluri K&H Personalized Medicine Clinic); PubMed 20301750 (cited by Clinical Genomics, Uppaluri K&H Personalized Medicine Clinic); PubMed 17603484 (cited by Clinical Genomics, Uppaluri K&H Personalized Medicine Clinic).

NM_006005.3(WFS1):c.2638G>A (p.Asp880Asn)

Gene: WFS1 (wolframin ER transmembrane glycoprotein; plus strand). Cytogenetic location: 4p16.1.
Variant type: single nucleotide variant.
Coding change: c.2638G>A on transcript NM_006005.3 (MANE Select); coding-DNA position 2638, G replaced by A.
Protein change: p.Asp880Asn; replaces aspartic acid 880 with asparagine.
Molecular consequence: missense variant.
Genome position (GRCh38, 1-based): chr4:6,302,433, G>A. VCF-style: chr4-6302433-G-A. GRCh37 (hg19) VCF-style: chr4-6304160-G-A.
Other names: c.2638G>A, p.Asp880Asn (NM_001145853.1); short protein forms D880N.
Identifiers: ClinVar variation 2182662 (VCV002182662.6), dbSNP rs776324301, ClinGen allele CA2839816.